The following is an entry in ClinVar:

ClinVar aggregate classification (germline): Uncertain significance. Review status: criteria provided, multiple submitters, no conflicts (2 of 4 stars). 2 submissions from 2 submitters: Uncertain significance (2). Last evaluated 2021-03-11.

Conditions:
Intellectual disability. Also called: intellectual disabilities; Intellectual functioning disability; Intellectual developmental disorder. Identifiers: MedGen C3714756, MeSH D008607, MONDO:0001071, HP:0001249.

gnomAD v4.1: 5 of 1,613,724 alleles (0.00031%); highest among the groups gnomAD compares: African/African-American, 0.0013%; no homozygotes.

Submissions (2):

GeneDx
Classification: Uncertain significance. Last evaluated: 2021-03-11. Review status: criteria provided, single submitter. Criteria: GeneDx Variant Classification Process June 2021. Collection method: clinical testing. Allele origin: germline. Affected: yes.
Comment: Not observed at significant frequency in large population cohorts (Lek et al., 2016); In silico analysis supports that this missense variant does not alter protein structure/function; Has not been previously published as pathogenic or benign to our knowledge; This variant is associated with the following publications: (PMID: 27535533)

Cambridge Genomics Laboratory, East Genomic Laboratory Hub, NHS Genomic Medicine Service
Classification: Uncertain significance for Intellectual disability. Last evaluated: 2019-06-21. Review status: criteria provided, single submitter. Criteria: ACGS Best Practice Guidelines for Variant Classification in Rare Disease 2020. Collection method: clinical testing. Allele origin: germline. Affected: yes. Observed: 1 variant allele.

NM_001371928.1(AHDC1):c.421A>G (p.Ser141Gly)

Gene: AHDC1 (AT-hook DNA binding motif containing 1; minus strand). Cytogenetic location: 1p36.11.
Variant type: single nucleotide variant.
Coding change: c.421A>G on transcript NM_001371928.1 (MANE Select); coding-DNA position 421, A replaced by G.
Protein change: p.Ser141Gly; replaces serine 141 with glycine.
Molecular consequence: missense variant.
Genome position (GRCh38, 1-based): chr1:27,551,695, T>C on the plus strand (A>G on the coding strand, the complement: AHDC1 is on the minus strand). VCF-style: chr1-27551695-T-C. GRCh37 (hg19) VCF-style: chr1-27878206-T-C.
Other names: c.421A>G, p.Ser141Gly (NM_001029882.3); short protein forms S141G.
Identifiers: ClinVar variation 1300759 (VCV001300759.3), dbSNP rs2148295111, ClinGen allele CA339237304.